The following is an entry in ClinVar:

ClinVar aggregate classification (germline): Uncertain significance. Review status: criteria provided, multiple submitters, no conflicts (2 of 4 stars). 4 submissions from 4 submitters: Uncertain significance (4). Last evaluated 2024-04-14.

Conditions:
Malignant hyperthermia, susceptibility to, 1 (MHS1). Also called: RYR1-Related Malignant Hyperthermia Susceptibility; Anesthesia related hyperthermia; Malignant hyperpyrexia; Fulminating hyperpyrexia; Pharmacogenic myopathy; Malignant hyperthermia suceptibility 1. Identifiers: Orphanet 423, MedGen C2930980, MONDO:0007783, OMIM 145600.
RYR1-related disorder. Also called: RYR1-related disorders; RYR1-related condition. Identifiers: MedGen CN239331.

Allele frequency attached by ClinVar (database versions not stated): ExAC 0.00001; gnomAD exomes 0.00001; gnomAD 0.00002; TOPMed 0.00003.
gnomAD v4.1: 9 of 1,607,900 alleles (0.00056%); highest among the groups gnomAD compares: Admixed American, 0.012%; no homozygotes.

Submissions (4):

Labcorp Genetics (formerly Invitae), Labcorp
Classification: Uncertain significance for RYR1-related disorder. Last evaluated: 2024-04-14. Review status: criteria provided, single submitter. Criteria: Invitae Variant Classification Sherloc (09022015). Collection method: clinical testing. Allele origin: germline.
Comment: This sequence change replaces glycine, which is neutral and non-polar, with arginine, which is basic and polar, at codon 1884 of the RYR1 protein (p.Gly1884Arg). The frequency data for this variant in the population databases is considered unreliable, as metrics indicate poor data quality at this position in the gnomAD database. This variant has not been reported in the literature in individuals affected with RYR1-related conditions. ClinVar contains an entry for this variant (Variation ID: 1000900). Advanced modeling of protein sequence and biophysical properties (such as structural, functional, and spatial information, amino acid conservation, physicochemical variation, residue mobility, and thermodynamic stability) performed at Invitae indicates that this missense variant is not expected to disrupt RYR1 protein function with a negative predictive value of 95%. In summary, the available evidence is currently insufficient to determine the role of this variant in disease. Therefore, it has been classified as a Variant of Uncertain Significance.

Color Diagnostics, LLC DBA Color Health
Classification: Uncertain significance for Malignant hyperthermia, susceptibility to, 1. Last evaluated: 2024-03-06. Review status: criteria provided, single submitter. Criteria: ACMG Guidelines, 2015. Collection method: clinical testing. Allele origin: germline.
Comment: This missense variant replaces glycine with arginine at codon 1884 of the RYR1 protein. Computational prediction suggests that this variant may not impact protein structure and function. To our knowledge, functional studies have not been reported for this variant. This variant has not been reported in individuals affected with malignant hyperthermia in the literature. This variant has been identified in 2/247732 chromosomes in the general population by the Genome Aggregation Database (gnomAD). The available evidence is insufficient to determine the role of this variant in disease conclusively. Therefore, this variant is classified as a Variant of Uncertain Significance.

All of Us Research Program, National Institutes of Health
Classification: Uncertain significance for Malignant hyperthermia, susceptibility to, 1. Last evaluated: 2023-12-01. Review status: criteria provided, single submitter. Criteria: ACMG Guidelines, 2015. Collection method: clinical testing. Allele origin: germline. Inheritance: Autosomal dominant inheritance. Observed: 5 variant alleles, 5 heterozygotes.
Comment: This missense variant replaces glycine with arginine at codon 1884 of the RYR1 protein. Computational prediction suggests that this variant may not impact protein structure and function (internally defined REVEL score threshold <= 0.5, PMID: 27666373). To our knowledge, functional studies have not been reported for this variant. This variant has not been reported in individuals affected with malignant hyperthermia in the literature. This variant has been identified in 2/247732 chromosomes in the general population by the Genome Aggregation Database (gnomAD). The available evidence is insufficient to determine the role of this variant in disease conclusively. Therefore, this variant is classified as a Variant of Uncertain Significance.

This study involves interpretation of variants in research participants for the purpose of population health screening. Participant phenotype was not available at the time of variant classification. Additional details can be found in publication PMID: 35346344, PMCID: PMC8962531

Revvity Omics, Revvity
Classification: Uncertain significance. Last evaluated: 2020-10-02. Review status: criteria provided, single submitter. Criteria: ACMG Guidelines, 2015. Collection method: clinical testing. Allele origin: germline.

NM_000540.3(RYR1):c.5650G>C (p.Gly1884Arg)

Gene: RYR1 (ryanodine receptor 1; plus strand). Cytogenetic location: 19q13.2.
Variant type: single nucleotide variant.
Coding change: c.5650G>C on transcript NM_000540.3 (MANE Select); coding-DNA position 5650, G replaced by C.
Protein change: p.Gly1884Arg; replaces glycine 1884 with arginine.
Molecular consequence: missense variant.
Genome position (GRCh38, 1-based): chr19:38,489,279, G>C. VCF-style: chr19-38489279-G-C. GRCh37 (hg19) VCF-style: chr19-38979919-G-C.
Other names: c.5650G>C, p.Gly1884Arg (NM_001042723.2); short protein forms G1884R.
Identifiers: ClinVar variation 1000900 (VCV001000900.11), dbSNP rs776093828, ClinGen allele CA067339.